The following is an entry in ClinVar:

ClinVar aggregate classification (germline): Pathogenic (3 of 4 stars; one submission).

Conditions:
Breast-ovarian cancer, familial, susceptibility to, 2 (BROVCA2). Also called: BRCA2 Hereditary Breast and Ovarian Cancer. Identifiers: Orphanet 145, MedGen C2675520, MONDO:0012933, OMIM 612555. Disease mechanism: loss of function.

Submission:

Evidence-based Network for the Interpretation of Germline Mutant Alleles (ENIGMA)
Classification: Pathogenic for Breast-ovarian cancer, familial, susceptibility to, 2. Last evaluated: 2016-10-18. Review status: reviewed by expert panel. Criteria: ENIGMA BRCA1/2 Classification Criteria (2015). Collection method: curation. Allele origin: germline.
Comment: Variant allele predicted to encode a truncated non-functional protein.

NM_000059.4(BRCA2):c.970_973del (p.Arg324fs)

Gene: BRCA2 (BRCA2 DNA repair associated; plus strand). Cytogenetic location: 13q13.1.
Variant type: Deletion.
Coding change: c.970_973del on transcript NM_000059.4 (MANE Select); coding-DNA positions 970 to 973, 4 bases deleted (AGAA; older notation c.970_973delAGAA).
Protein change: p.Arg324fs; shifts the reading frame from arginine 324.
Molecular consequence: frameshift variant.
Genome position (GRCh38, 1-based): chr13:32,332,448-32,332,451, AGAA deleted; deleting any 4 consecutive bases within chr13:32,332,447-32,332,451 gives the same sequence; the c. name uses the placement nearest the transcript's 3' end. VCF-style (leftmost placement, unchanged base first): chr13-32332446-TAAGA-T. GRCh37 (hg19) VCF-style: chr13-32906583-TAAGA-T.
Other names: 1198delAGAA; short protein forms R324fs.
Identifiers: ClinVar variation 267169 (VCV000267169.3), dbSNP rs886040848, ClinGen allele CA10589064.